The following is an entry in ClinVar:

NM_007294.4(BRCA1):c.350A>T (p.His117Leu)

Gene: BRCA1 (BRCA1 DNA repair associated; minus strand). Cytogenetic location: 17q21.31.
Variant type: single nucleotide variant.
Coding change: c.350A>T on transcript NM_007294.4 (MANE Select); coding-DNA position 350, A replaced by T.
Protein change: p.His117Leu; replaces histidine 117 with leucine.
Molecular consequence: missense variant. On other transcripts: non-coding transcript variant (1).
Genome position (GRCh38, 1-based): chr17:43,104,213, T>A on the plus strand (A>T on the coding strand, the complement: BRCA1 is on the minus strand). VCF-style: chr17-43104213-T-A. GRCh37 (hg19) VCF-style: chr17-41256230-T-A.
Other names: c.140A>T, p.His47Leu (NM_001407571.1, NM_001407853.1, NM_001407879.1 and 58 more transcripts); c.350A>T, p.His117Leu (NM_001407581.1, NM_001407582.1, NM_001407583.1 and 165 more transcripts); c.341A>T, p.His114Leu (NM_001407646.1, NM_001407647.1, NM_001408408.1); c.272A>T, p.His91Leu (NM_001407653.1, NM_001407654.1, NM_001407655.1 and 21 more transcripts); c.209A>T, p.His70Leu (NM_001407692.1, NM_001407694.1, NM_001407695.1 and 99 more transcripts); c.-32A>T (NM_001407959.1, NM_001407960.1, NM_001407962.1 and 4 more transcripts); c.218A>T, p.His73Leu (NM_001408451.1); short protein forms H70L, H117L, H47L, H114L, H73L, H91L.
Identifiers: ClinVar variation 859031 (VCV000859031.17), dbSNP rs2054632888, ClinGen allele CA10601444.

ClinVar aggregate classification (germline): Conflicting classifications of pathogenicity. Review status: criteria provided, conflicting classifications (1 of 4 stars). 4 submissions from 4 submitters: Uncertain significance (3); Likely benign (1). Last evaluated 2025-07-25.

Conditions:
Hereditary cancer-predisposing syndrome. Also called: Tumor predisposition; Hereditary neoplastic syndrome; Neoplastic Syndromes, Hereditary; Hereditary Cancer Syndrome. Identifiers: Orphanet 140162, MedGen C0027672, MeSH D009386, MONDO:0015356.
Hereditary breast ovarian cancer syndrome. Also called: Breast and ovarian cancer; BRCA1- and BRCA2-Associated Hereditary Breast and Ovarian Cancer; Hereditary breast and ovarian cancer; Hereditary breast and ovarian cancer syndrome (HBOC); Hereditary breast and/or ovarian cancer syndrome; Hereditary breast and ovarian cancer syndrome. Identifiers: Orphanet 145, MedGen C0677776, MeSH D061325, MONDO:0003582. Disease mechanism: loss of function.
BRCA1-related cancer predisposition. Identifiers: MedGen CN377757, MONDO:0700268.

Allele frequency attached by ClinVar (database versions not stated): gnomAD exomes below 0.00001.
gnomAD v4.1: 3 of 1,613,278 alleles (0.00019%); highest among the groups gnomAD compares: South Asian, 0.0022%; no homozygotes.

Submissions (4):

Ambry Genetics
Classification: Uncertain significance for Hereditary cancer-predisposing syndrome. Last evaluated: 2025-07-25. Review status: criteria provided, single submitter. Criteria: Ambry Variant Classification Scheme 2023. Collection method: clinical testing. Allele origin: germline.
Comment: The p.H117L variant (also known as c.350A>T), located in coding exon 5 of the BRCA1 gene, results from an A to T substitution at nucleotide position 350. The histidine at codon 117 is replaced by leucine, an amino acid with similar properties. This amino acid position is not well conserved in available vertebrate species. In addition, the in silico prediction for this alteration is inconclusive. Since supporting evidence is limited at this time, the clinical significance of this alteration remains unclear.

Labcorp Genetics (formerly Invitae), Labcorp
Classification: Likely benign for Hereditary breast ovarian cancer syndrome. Last evaluated: 2025-06-10. Review status: criteria provided, single submitter. Criteria: Invitae Variant Classification Sherloc (09022015). Collection method: clinical testing. Allele origin: germline.

All of Us Research Program, National Institutes of Health
Classification: Uncertain significance for BRCA1-related cancer predisposition. Last evaluated: 2024-08-29. Review status: criteria provided, single submitter. Criteria: ACMG Guidelines, 2015. Collection method: clinical testing. Allele origin: germline. Inheritance: Autosomal dominant inheritance. Observed: 1 variant allele, 1 heterozygote.
Comment: This missense variant replaces histidine with leucine at codon 117 of the BRCA1 protein. Computational prediction is inconclusive regarding the impact of this variant on protein structure and function (internally defined REVEL score threshold 0.5 < inconclusive < 0.7, PMID: 27666373). A functional study has reported that this variant does not impact BRCA1 function in a homology-directed repair assay (PMID: 30219179). This variant has not been reported in individuals affected with hereditary cancer in the literature. This variant has not been identified in the general population by the Genome Aggregation Database (gnomAD). The available evidence is insufficient to determine the role of this variant in disease conclusively. Therefore, this variant is classified as a Variant of Uncertain Significance.

This study involves interpretation of variants in research participants for the purpose of population health screening. Participant phenotype was not available at the time of variant classification. Additional details can be found in publication PMID: 35346344, PMCID: PMC8962531

Color Diagnostics, LLC DBA Color Health
Classification: Uncertain significance for Hereditary cancer-predisposing syndrome. Last evaluated: 2021-04-13. Review status: criteria provided, single submitter. Criteria: ACMG Guidelines, 2015. Collection method: clinical testing. Allele origin: germline.
Comment: This missense variant replaces histidine with leucine at codon 117 of the BRCA1 protein. Computational prediction is inconclusive regarding the impact of this variant on protein structure and function (internally defined REVEL score threshold 0.5 < inconclusive < 0.7, PMID: 27666373). A functional study has reported that this variant does not impact BRCA1 function in a homology-directed repair assay (PMID: 30219179). This variant has not been reported in individuals affected with hereditary cancer in the literature. This variant has not been identified in the general population by the Genome Aggregation Database (gnomAD). The available evidence is insufficient to determine the role of this variant in disease conclusively. Therefore, this variant is classified as a Variant of Uncertain Significance.

Literature cited by the submitters: PubMed 30219179 (cited by All of Us Research Program, National Institutes of Health).